The following is an entry in ClinVar:

ClinVar aggregate classification (germline): Uncertain significance (1 of 4 stars; one submission).

Conditions:
Hereditary cancer-predisposing syndrome. Also called: Hereditary Cancer Syndrome; Hereditary neoplastic syndrome; Tumor predisposition; Neoplastic Syndromes, Hereditary. Identifiers: Orphanet 140162, MedGen C0027672, MeSH D009386, MONDO:0015356.

Submission:

Ambry Genetics
Classification: Uncertain significance for Hereditary cancer-predisposing syndrome. Last evaluated: 2022-04-22. Review status: criteria provided, single submitter. Criteria: Ambry Variant Classification Scheme 2023. Collection method: clinical testing. Allele origin: germline.
Comment: The p.I795N variant (also known as c.2384T>A), located in coding exon 14 of the ALK gene, results from a T to A substitution at nucleotide position 2384. The isoleucine at codon 795 is replaced by asparagine, an amino acid with dissimilar properties. This amino acid position is conserved. In addition, this alteration is predicted to be tolerated by in silico analysis. Since supporting evidence is limited at this time, the clinical significance of this alteration remains unclear.

NM_004304.5(ALK):c.2384T>A (p.Ile795Asn)

Gene: ALK (ALK receptor tyrosine kinase; minus strand). Cytogenetic location: 2p23.2.
Variant type: single nucleotide variant.
Coding change: c.2384T>A on transcript NM_004304.5 (MANE Select); coding-DNA position 2384, T replaced by A.
Protein change: p.Ile795Asn; replaces isoleucine 795 with asparagine.
Molecular consequence: missense variant.
Genome position (GRCh38, 1-based): chr2:29,233,668, A>T on the plus strand (T>A on the coding strand, the complement: ALK is on the minus strand). VCF-style: chr2-29233668-A-T. GRCh37 (hg19) VCF-style: chr2-29456534-A-T.
Other names: short protein forms I795N.
Identifiers: ClinVar variation 1790476 (VCV001790476.2), dbSNP rs763503560, ClinGen allele CA346472471.
Genomic context (GRCh38, chr2:29,233,668, plus strand): 5'-GCCCACTCATGCACGCTTCTGTTCACACGGATTTCTTCTTCTATCACATTGTTCTCTCCA[A>T]TGCAGACTTTCTGGATTAACTGGTTTGTCTGTAGAAACAAAAAGCACGTTAGGTTTGTGG-3'
Protein context (NP_004295.2, residues 785-805): STNQLIQKVC[Ile795Asn]GENNVIEEEI